The following is an entry in ClinVar:

NM_000368.5(TSC1):c.738-2_740del

Gene: TSC1 (TSC complex subunit 1; minus strand). Cytogenetic location: 9q34.13.
Variant type: Deletion.
Coding change: c.738-2_740del on transcript NM_000368.5 (MANE Select); the canonical splice acceptor site of the intron before coding-DNA position 738 through coding-DNA position 740, 5 bases deleted (AGGTG; older notation c.738-2_740delAGGTG).
Molecular consequence: splice acceptor variant.
Genome position (GRCh38, 1-based): chr9:132,912,455-132,912,459, CACCT deleted on the plus strand (AGGTG on the coding strand, the reverse complement: TSC1 is on the minus strand). VCF-style (leftmost placement, unchanged base first): chr9-132912454-CCACCT-C. GRCh37 (hg19) VCF-style: chr9-135787841-CCACCT-C.
Other names: c.738-2_740delAGGTG (NM_000368.4); c.375-2_377del (NM_001362177.2); c.585-2_587del (NM_001162427.2); c.738-2_740del (NM_001162426.2).
Identifiers: ClinVar variation 466153 (VCV000466153.8), dbSNP rs1554817707, ClinGen allele CA658657925.
Genomic context (GRCh38, chr9:132,912,454, plus strand): 5'-TGTGGGATCCAGAGAGATTTTGGCACACTCGATCACAACATCATGAGTTTCTAATCTCTT[CCACCT>C]GTAAAATGCAATGAAAGTCAAGAAATGCAAACTGTAATCAACTGAATTAAATACTTCAGA-3'

ClinVar aggregate classification (germline): Likely pathogenic (1 of 4 stars; one submission).

Conditions:
Tuberous sclerosis 1 (TSC1). Identifiers: Orphanet 805, MedGen C1854465, MONDO:0008612, OMIM 191100.

Submission:

Labcorp Genetics (formerly Invitae), Labcorp
Classification: Likely pathogenic for Tuberous sclerosis 1. Last evaluated: 2019-11-02. Review status: criteria provided, single submitter. Criteria: Invitae Variant Classification Sherloc (09022015). Collection method: clinical testing. Allele origin: germline.
Comment: In summary, the currently available evidence indicates that the variant is pathogenic, but additional data are needed to prove that conclusively. Therefore, this variant has been classified as Likely Pathogenic. Loss-of-function variants in TSC1 are known to be pathogenic (PMID: 10227394, 17304050). Algorithms developed to predict the effect of sequence changes on RNA splicing suggest that this variant may disrupt the consensus splice site, but this prediction has not been confirmed by published transcriptional studies. This variant has been observed in individual(s) with clinical features of tuberous sclerosis complex (Invitae). This variant is not present in population databases (ExAC no frequency). This variant results in the deletion of part of exon 9 (c.738-2_740del) of the TSC1 gene. It is expected to disrupt RNA splicing and likely results in an absent or disrupted protein product.

Literature cited by the submitters: PubMed 10227394; PubMed 17304050.